The following is an entry in ClinVar:

ClinVar aggregate classification (germline): Uncertain significance. Review status: criteria provided, multiple submitters, no conflicts (2 of 4 stars). 2 submissions from 2 submitters: Uncertain significance (2). Last evaluated 2025-10-03.

Conditions:
Inborn genetic diseases. Identifiers: MedGen C0950123, MeSH D030342.

gnomAD v4.1: 3 of 1,614,054 alleles (0.00019%); highest among the groups gnomAD compares: African/African-American, 0.0013%; no homozygotes.

Submissions (2):

Labcorp Genetics (formerly Invitae), Labcorp
Classification: Uncertain significance. Last evaluated: 2025-10-03. Review status: criteria provided, single submitter. Criteria: Invitae Variant Classification Sherloc (09022015). Collection method: clinical testing. Allele origin: germline.
Comment: This sequence change replaces lysine, which is basic and polar, with asparagine, which is neutral and polar, at codon 1050 of the TTBK2 protein (p.Lys1050Asn). This variant is not present in population databases (gnomAD no frequency). This variant has not been reported in the literature in individuals affected with TTBK2-related conditions. ClinVar contains an entry for this variant (Variation ID: 3811722). An algorithm developed to predict the effect of missense changes on protein structure and function (PolyPhen-2) suggests that this variant is likely to be disruptive. In summary, the available evidence is currently insufficient to determine the role of this variant in disease. Therefore, it has been classified as a Variant of Uncertain Significance.

Ambry Genetics
Classification: Uncertain significance for Inborn genetic diseases. Last evaluated: 2025-02-13. Review status: criteria provided, single submitter. Criteria: Ambry Variant Classification Scheme 2023. Collection method: clinical testing. Allele origin: germline.

NM_173500.4(TTBK2):c.3150G>C (p.Lys1050Asn)

Gene: TTBK2 (tau tubulin kinase 2; minus strand). Cytogenetic location: 15q15.2.
Variant type: single nucleotide variant.
Coding change: c.3150G>C on transcript NM_173500.4 (MANE Select); coding-DNA position 3150, G replaced by C.
Protein change: p.Lys1050Asn; replaces lysine 1050 with asparagine.
Molecular consequence: missense variant.
Genome position (GRCh38, 1-based): chr15:42,752,096, C>G on the plus strand (G>C on the coding strand, the complement: TTBK2 is on the minus strand). VCF-style: chr15-42752096-C-G. GRCh37 (hg19) VCF-style: chr15-43044294-C-G.
Other names: short protein forms K1050N.
Identifiers: ClinVar variation 3811722 (VCV003811722.2).